The following is an entry in ClinVar:

NM_001942.4(DSG1):c.1645G>A (p.Ala549Thr)

Gene: DSG1 (desmoglein 1; plus strand). Cytogenetic location: 18q12.1.
Variant type: single nucleotide variant.
Coding change: c.1645G>A on transcript NM_001942.4 (MANE Select); coding-DNA position 1645, G replaced by A.
Protein change: p.Ala549Thr; replaces alanine 549 with threonine.
Molecular consequence: missense variant.
Genome position (GRCh38, 1-based): chr18:31,339,983, G>A. VCF-style: chr18-31339983-G-A. GRCh37 (hg19) VCF-style: chr18-28919946-G-A.
Other names: short protein forms A549T.
Identifiers: ClinVar variation 4691732 (VCV004691732.1).
Genomic context (GRCh38, chr18:31,339,983, plus strand): 5'-TCTTCTGAACCCGGAAACGGAGCCAAAGATTTGTTATCAGACAATGTACATTTTGGTCCT[G>A]CTGGCATTGGACTCCTCATCATGGGATTCTTGGTCTTAGGATGTAAGTACTTTAGCAATC-3'
Protein context (NP_001933.2, residues 539-559): LLSDNVHFGP[Ala549Thr]GIGLLIMGFL

ClinVar aggregate classification (germline): Uncertain significance (1 of 4 stars; one submission).

Submission:

Labcorp Genetics (formerly Invitae), Labcorp
Classification: Uncertain significance. Last evaluated: 2025-09-29. Review status: criteria provided, single submitter. Criteria: Invitae Variant Classification Sherloc (09022015). Collection method: clinical testing. Allele origin: germline.
Comment: This sequence change replaces alanine, which is neutral and non-polar, with threonine, which is neutral and polar, at codon 549 of the DSG1 protein (p.Ala549Thr). This variant is not present in population databases (gnomAD no frequency). This variant has not been reported in the literature in individuals affected with DSG1-related conditions. Invitae Evidence Modeling of protein sequence and biophysical properties (such as structural, functional, and spatial information, amino acid conservation, physicochemical variation, residue mobility, and thermodynamic stability) indicates that this missense variant is not expected to disrupt DSG1 protein function with a negative predictive value of 80%. In summary, the available evidence is currently insufficient to determine the role of this variant in disease. Therefore, it has been classified as a Variant of Uncertain Significance.